The following is an entry in ClinVar:

NM_001614.5(ACTG1):c.124-3C>T

Gene: ACTG1 (actin gamma 1; minus strand). Cytogenetic location: 17q25.3.
Variant type: single nucleotide variant.
Coding change: c.124-3C>T on transcript NM_001614.5 (MANE Select); 3 bases into the intron before coding-DNA position 124, C replaced by T.
Molecular consequence: intron variant.
Genome position (GRCh38, 1-based): chr17:81,512,145, G>A on the plus strand (C>T on the coding strand, the complement: ACTG1 is on the minus strand). VCF-style: chr17-81512145-G-A. GRCh37 (hg19) VCF-style: chr17-79479171-G-A.
Other names: c.124-3C>T (NM_001199954.3).
Identifiers: ClinVar variation 1430137 (VCV001430137.6), dbSNP rs143798951, ClinGen allele CA8836343.

ClinVar aggregate classification (germline): Uncertain significance (1 of 4 stars; one submission).

Conditions:
Autosomal dominant nonsyndromic hearing loss 20. Identifiers: Orphanet 90635, MedGen C1858172, MONDO:0011480, OMIM 604717.
Baraitser-winter syndrome 2. Identifiers: Orphanet 2995, MedGen C3281235, MONDO:0013812, OMIM 614583.

Allele frequency attached by ClinVar (database versions not stated): gnomAD exomes below 0.00001 and 0.00001; ExAC 0.00002; 1000 Genomes Project 30x 0.00016; 1000 Genomes Project 0.00020.

Submission:

Labcorp Genetics (formerly Invitae), Labcorp
Classification: Uncertain significance for Baraitser-winter syndrome 2; Autosomal dominant nonsyndromic hearing loss 20. Last evaluated: 2025-06-12. Review status: criteria provided, single submitter. Criteria: Invitae Variant Classification Sherloc (09022015). Collection method: clinical testing. Allele origin: germline.
Comment: This sequence change falls in intron 2 of the ACTG1 gene. It does not directly change the encoded amino acid sequence of the ACTG1 protein. It affects a nucleotide within the consensus splice site. This variant is present in population databases (rs143798951, gnomAD 0.003%). This variant has not been reported in the literature in individuals affected with ACTG1-related conditions. ClinVar contains an entry for this variant (Variation ID: 1430137). Variants that disrupt the consensus splice site are a relatively common cause of aberrant splicing (PMID: 17576681, 9536098). Algorithms developed to predict the effect of sequence changes on RNA splicing suggest that this variant is not likely to affect RNA splicing. In summary, the available evidence is currently insufficient to determine the role of this variant in disease. Therefore, it has been classified as a Variant of Uncertain Significance.

Literature cited by the submitters: PubMed 17576681; PubMed 9536098.